The following is an entry in ClinVar:

NM_018100.4(EFHC1):c.544C>T (p.Arg182Cys)

Gene: EFHC1 (EF-hand domain containing 1; plus strand). Cytogenetic location: 6p12.2.
Variant type: single nucleotide variant.
Coding change: c.544C>T on transcript NM_018100.4 (MANE Select); coding-DNA position 544, C replaced by T.
Protein change: p.Arg182Cys; replaces arginine 182 with cysteine.
Molecular consequence: missense variant. On other transcripts: non-coding transcript variant (1).
Genome position (GRCh38, 1-based): chr6:52,438,562, C>T. VCF-style: chr6-52438562-C-T. GRCh37 (hg19) VCF-style: chr6-52303360-C-T.
Other names: c.487C>T, p.Arg163Cys (NM_001172420.2); short protein forms R163C, R182C.
Identifiers: ClinVar variation 402820 (VCV000402820.16), dbSNP rs200191497, ClinGen allele CA3855764.

ClinVar aggregate classification (germline): Conflicting classifications of pathogenicity. Review status: criteria provided, conflicting classifications (1 of 4 stars). 2 submissions from 2 submitters: Uncertain significance (1); Likely benign (1). Last evaluated 2020-08-06.

Conditions:
Myoclonic epilepsy, juvenile, susceptibility to, 1. Also called: Myoclonic Epilepsy, Juvenile, 1; EJM1. Identifiers: MedGen C1850778, MONDO:0020752, OMIM 254770.
Absence seizure. Also called: Absence epilepsy. Identifiers: Orphanet 1941, MedGen C0014553.

Allele frequency attached by ClinVar (database versions not stated): gnomAD 0.00003; gnomAD exomes 0.00003 and 0.00007; TOPMed 0.00005; ExAC 0.00008; ESP Exome Variant Server 0.00008.
gnomAD v4.1: 44 of 1,613,830 alleles (0.0027%); highest among the groups gnomAD compares: Admixed American, 0.028%; no homozygotes.

Submissions (2):

Labcorp Genetics (formerly Invitae), Labcorp
Classification: Likely benign for Myoclonic epilepsy, juvenile, susceptibility to, 1; Absence seizure. Last evaluated: 2020-08-06. Review status: criteria provided, single submitter. Criteria: Invitae Variant Classification Sherloc (09022015). Collection method: clinical testing. Allele origin: germline.

Laboratory for Molecular Medicine, Mass General Brigham Personalized Medicine
Classification: Uncertain significance. Last evaluated: 2016-06-02. Review status: criteria provided, single submitter. Criteria: LMM Criteria. Collection method: clinical testing. Allele origin: germline.
Comment: Variant identified in a genome or exome case(s) and assessed due to predicted null impact of the variant or pathogenic assertions in the literature or databases. Disclaimer: This variant has not undergone full assessment. The following are preliminary notes: Jara-Prado-2012 reported a R182L or R182C (typo?) variant in 1/41 patients with juvenile myoclonic epilepsy (different transcript).